The following is an entry in ClinVar:

NM_004839.4(HOMER2):c.764A>G (p.Glu255Gly)

Gene: HOMER2 (homer scaffold protein 2; minus strand). Cytogenetic location: 15q25.2.
Variant type: single nucleotide variant.
Coding change: c.764A>G on transcript NM_004839.4 (MANE Select); coding-DNA position 764, A replaced by G.
Protein change: p.Glu255Gly; replaces glutamic acid 255 with glycine.
Molecular consequence: missense variant.
Genome position (GRCh38, 1-based): chr15:82,851,230, T>C on the plus strand (A>G on the coding strand, the complement: HOMER2 is on the minus strand). VCF-style: chr15-82851230-T-C. GRCh37 (hg19) VCF-style: chr15-83519982-T-C.
Other names: c.797A>G, p.Glu266Gly (NM_199330.3); short protein forms E266G, E255G.
Identifiers: ClinVar variation 508630 (VCV000508630.33), dbSNP rs79448007, ClinGen allele CA7702003.

ClinVar aggregate classification (germline): Benign/Likely benign. Review status: criteria provided, multiple submitters, no conflicts (2 of 4 stars). 5 submissions from 5 submitters: Benign (4); Likely benign (1). Last evaluated 2025-12-08.

Allele frequency attached by ClinVar (database versions not stated): 1000 Genomes Project 30x 0.00172; 1000 Genomes Project 0.00200; TOPMed 0.00300; ESP Exome Variant Server 0.00369; gnomAD 0.00511 and 0.00523; gnomAD exomes 0.00583 and 0.00598; ExAC 0.00602.
gnomAD v4.1: 9,130 of 1,554,960 alleles (0.59%); highest among the groups gnomAD compares: Non-Finnish European, 0.62%; 46 homozygotes.

Submissions (5):

Labcorp Genetics (formerly Invitae), Labcorp
Classification: Benign. Last evaluated: 2025-12-08. Review status: criteria provided, single submitter. Criteria: Invitae Variant Classification Sherloc (09022015). Collection method: clinical testing. Allele origin: germline.

CeGaT Center for Human Genetics Tuebingen
Classification: Likely benign. Last evaluated: 2024-04-01. Review status: criteria provided, single submitter. Criteria: CeGaT Center For Human Genetics Tuebingen Variant Classification Criteria Version 2. Collection method: clinical testing. Allele origin: germline. Affected: yes. Observed: 1 variant allele.
Comment: HOMER2: BS2

Athena Diagnostics
Classification: Benign. Last evaluated: 2018-11-05. Review status: criteria provided, single submitter. Criteria: Athena Diagnostics Criteria. Collection method: clinical testing. Allele origin: germline.

GeneDx
Classification: Benign. Last evaluated: 2018-03-05. Review status: criteria provided, single submitter. Criteria: GeneDx Variant Classification (06012015). Collection method: clinical testing. Allele origin: germline. Affected: yes.
Comment: This variant is considered likely benign or benign based on one or more of the following criteria: it is a conservative change, it occurs at a poorly conserved position in the protein, it is predicted to be benign by multiple in silico algorithms, and/or has population frequency not consistent with disease.

Breakthrough Genomics
Classification: Benign. Review status: criteria provided, single submitter. Criteria: ACMG Guidelines, 2015. Collection method: not provided. Allele origin: germline. Inheritance: Autosomal dominant inheritance. Affected: yes.